The following is an entry in ClinVar:

NM_015909.4(NBAS):c.[539_540delinsTG;619C>T]

Variant type: Haplotype.
Identifiers: ClinVar variation 4851488 (VCV004851488.1).

ClinVar aggregate classification (germline): Pathogenic (1 of 4 stars; one submission).

Conditions:
Short stature-optic atrophy-Pelger-Huët anomaly syndrome. Also called: Short stature, optic nerve atrophy, and Pelger-Huet anomaly; Short stature-optic atrophy-Pelger-HuC+t anomaly syndrome. Identifiers: Orphanet 391677, MedGen C3541319, MONDO:0013889, OMIM 614800.

Submission:

Synevo Romania
Classification: Pathogenic for Short stature-optic atrophy-Pelger-Huët anomaly syndrome. Last evaluated: 2026-03-23. Review status: criteria provided, single submitter. Criteria: ACMG Guidelines, 2015. Collection method: clinical testing. Allele origin: inherited. Inheritance: Autosomal recessive inheritance. Observed: 1 variant allele, 1 compound heterozygote.
Comment: This complex allele of p.[Ser180Ile;Arg207*] has a predicted consequence of generating a premature stop codon in exon 8/52 of the NBAS gene. Loss of function alleles are documented pathogenic for this gene (OMIM). This complex allele has not been observed in the general population (AC=0 in gnomAD for c.539_540delinsTG). It has not been reported in affected individuals in the published literature. The in cis allelic position of the variants has been confirmed through segregational analysis (internal). Criteria applied: PVS1, PM2_Supporting, PM3